The following is an entry in ClinVar:

ClinVar aggregate classification (germline): Likely pathogenic (1 of 4 stars; one submission).

Conditions:
Hepatic veno-occlusive disease-immunodeficiency syndrome. Also called: Hepatic Veno-Occlusive Disease with Immunodeficiency. Identifiers: Orphanet 79124, MedGen C1856128, MONDO:0009338, OMIM 235550. Disease mechanism: loss of function.

gnomAD v4.1: 144 of 1,608,148 alleles (0.009%); highest among the groups gnomAD compares: South Asian, 0.14%; 2 homozygotes.

Submission:

Neuberg Centre For Genomic Medicine, NCGM
Classification: Likely pathogenic for Hepatic veno-occlusive disease-immunodeficiency syndrome. Last evaluated: 2023-05-20. Review status: criteria provided, single submitter. Criteria: ACMG Guidelines, 2015. Collection method: clinical testing. Allele origin: germline. Inheritance: Autosomal recessive inheritance. Affected: yes.
Comment: The observed invariant splice acceptor c.1816-2A>T variant in SP110 gene has not been reported previously as a pathogenic variant nor a benign variant, to our knowledge. The c.1816-2A>T variant has been reported with allele frequency of 0.02% in gnomAD Exomes. This variant has not been submitted to the ClinVar database. SpliceAI predicts this variant to cause acceptor loss (0.67). Loss of function variants have been previously reported to be disease causing. For these reasons, this variant has been classified as Likely Pathogenic. In absence of another reportable variant in SP110 gene, the molecular diagnosis is not confirmed.

NM_080424.4(SP110):c.1816-2A>T

Gene: SP110 (SP110 nuclear body protein; minus strand). Cytogenetic location: 2q37.1.
Variant type: single nucleotide variant.
Coding change: c.1816-2A>T on transcript NM_080424.4 (MANE Select); the canonical splice acceptor site of the intron before coding-DNA position 1816, A replaced by T.
Molecular consequence: splice acceptor variant. On other transcripts: intron variant (5).
Genome position (GRCh38, 1-based): chr2:230,171,769, T>A on the plus strand (A>T on the coding strand, the complement: SP110 is on the minus strand). VCF-style: chr2-230171769-T-A. GRCh37 (hg19) VCF-style: chr2-231036485-T-A.
Other names: c.1833+297A>T (NM_001378446.1, NM_001378445.1); c.1834-141A>T (NM_001378442.1); c.1834-2A>T (NM_001378444.1); c.1815+297A>T (NM_004509.5); c.1816-141A>T (NM_001378443.1).
Identifiers: ClinVar variation 3341350 (VCV003341350.1).